The following is an entry in ClinVar:

ClinVar aggregate classification (germline): Uncertain significance (1 of 4 stars; one submission).

Conditions:
Autoimmune lymphoproliferative syndrome type 2A (ALPS2A). Also called: CASP10-Related Autoimmune Lymphoproliferative Syndrome; AUTOIMMUNE LYMPHOPROLIFERATIVE SYNDROME, TYPE IIA; Autoimmune lymphoproliferative syndrome type 2. Identifiers: Orphanet 3261, MedGen C1858968, MONDO:0011383, OMIM 603909.

Allele frequency attached by ClinVar (database versions not stated): gnomAD exomes below 0.00001.
gnomAD v4.1: 2 of 1,613,742 alleles (0.00012%); highest among the groups gnomAD compares: Non-Finnish European, 0.00017%; no homozygotes.

Submission:

Labcorp Genetics (formerly Invitae), Labcorp
Classification: Uncertain significance for Autoimmune lymphoproliferative syndrome type 2A. Last evaluated: 2023-07-11. Review status: criteria provided, single submitter. Criteria: Invitae Variant Classification Sherloc (09022015). Collection method: clinical testing. Allele origin: germline.
Comment: This sequence change replaces aspartic acid, which is acidic and polar, with tyrosine, which is neutral and polar, at codon 163 of the CASP10 protein (p.Asp163Tyr). This variant is present in population databases (rs769455042, gnomAD 0.0009%). In summary, the available evidence is currently insufficient to determine the role of this variant in disease. Therefore, it has been classified as a Variant of Uncertain Significance. Advanced modeling of protein sequence and biophysical properties (such as structural, functional, and spatial information, amino acid conservation, physicochemical variation, residue mobility, and thermodynamic stability) performed at Invitae indicates that this missense variant is not expected to disrupt CASP10 protein function. This variant has not been reported in the literature in individuals affected with CASP10-related conditions.

NM_032977.4(CASP10):c.487G>T (p.Asp163Tyr)

Gene: CASP10 (caspase 10; plus strand). Cytogenetic location: 2q33.1.
Variant type: single nucleotide variant.
Coding change: c.487G>T on transcript NM_032977.4 (MANE Select); coding-DNA position 487, G replaced by T.
Protein change: p.Asp163Tyr; replaces aspartic acid 163 with tyrosine.
Molecular consequence: missense variant.
Genome position (GRCh38, 1-based): chr2:201,193,029, G>T. VCF-style: chr2-201193029-G-T. GRCh37 (hg19) VCF-style: chr2-202057752-G-T.
Other names: c.487G>T, p.Asp163Tyr (NM_001206524.2, NM_001206542.2, NM_001230.5 and 3 more transcripts); short protein forms D163Y.
Identifiers: ClinVar variation 2932656 (VCV002932656.3), dbSNP rs769455042, ClinGen allele CA2052888.